The following is an entry in ClinVar:

ClinVar aggregate classification (germline): Likely benign. Review status: criteria provided, multiple submitters, no conflicts (2 of 4 stars). 3 submissions from 3 submitters: Likely benign (3). Last evaluated 2026-06-25.

Conditions:
ECE1-related disorder. Also called: ECE1-related condition.

Allele frequency attached by ClinVar (database versions not stated): gnomAD exomes 0.00008 and 0.00031; ESP Exome Variant Server 0.00015; ExAC 0.00031; gnomAD 0.00032; TOPMed 0.00051; 1000 Genomes Project 0.00060; 1000 Genomes Project 30x 0.00078.
gnomAD v4.1: 177 of 1,614,248 alleles (0.011%); highest among the groups gnomAD compares: East Asian, 0.12%; no homozygotes.

Submissions (3):

Women's Health and Genetics/Laboratory Corporation of America, LabCorp
Classification: Likely benign. Last evaluated: 2026-06-25. Review status: criteria provided, single submitter. Criteria: LabCorp Variant Classification Summary - May 2015. Collection method: clinical testing. Allele origin: germline.
Comment: Variant summary: ECE1 c.1960G>A (p.Val654Met) results in a conservative amino acid change in the encoded protein sequence. Algorithms developed to predict the effect of missense changes on protein structure and function are either unavailable or do not agree on the potential impact of this missense change. The variant allele was found at a frequency of 0.00031 in 251356 control chromosomes, predominantly at a frequency of 0.0022 within the East Asian subpopulation in the gnomAD database. The observed variant frequency within East Asian control individuals in the gnomAD database exceeds the estimated maximal expected allele frequency for disease-causing variants in ECE1. To our knowledge, no occurrence of c.1960G>A in individuals affected with ECE1-related conditions and no experimental evidence demonstrating its impact on protein function have been reported. ClinVar contains an entry for this variant (Variation ID: 1132136). Based on the evidence outlined above, the variant was classified as likely benign.

PreventionGenetics, part of Exact Sciences
Classification: Likely benign for ECE1-related condition. Last evaluated: 2026-03-04. Review status: criteria provided, single submitter. Criteria: ACMG Guidelines, 2015. Collection method: clinical testing. Allele origin: germline.
Comment: This variant is classified as likely benign based on ACMG/AMP sequence variant interpretation guidelines (Richards et al. 2015 PMID: 25741868, with internal and published modifications).

Labcorp Genetics (formerly Invitae), Labcorp
Classification: Likely benign. Last evaluated: 2019-12-07. Review status: criteria provided, single submitter. Criteria: Invitae Variant Classification Sherloc (09022015). Collection method: clinical testing. Allele origin: germline.

NM_001397.3(ECE1):c.1960G>A (p.Val654Met)

Gene: ECE1 (endothelin converting enzyme 1; minus strand). Cytogenetic location: 1p36.12.
Variant type: single nucleotide variant.
Coding change: c.1960G>A on transcript NM_001397.3 (MANE Select); coding-DNA position 1960, G replaced by A.
Protein change: p.Val654Met; replaces valine 654 with methionine.
Molecular consequence: missense variant.
Genome position (GRCh38, 1-based): chr1:21,225,330, C>T on the plus strand (G>A on the coding strand, the complement: ECE1 is on the minus strand). VCF-style: chr1-21225330-C-T. GRCh37 (hg19) VCF-style: chr1-21551823-C-T.
Other names: c.1924G>A, p.Val642Met (NM_001113347.2); c.1912G>A, p.Val638Met (NM_001113348.2); c.1951G>A, p.Val651Met (NM_001113349.2); c.1960G>A (NM_001397.2); short protein forms V638M, V642M, V651M, V654M.
Identifiers: ClinVar variation 1132136 (VCV001132136.8), dbSNP rs140832903, ClinGen allele CA664976.
Genomic context (GRCh38, chr1:21,225,330, plus strand): 5'-CCCCGTTGTCGGCGATGTTCTCCCCCAGGGTGTGCCGCCCGTTCACCGGCTCCCCGTTCA[C>T]GCTGTAGTTGCTGTACTGCTCTACCATGCACTCGGTCTGACGCTTGAAGGCCTCCACGGA-3'
Protein context (NP_001388.1, residues 644-664): CMVEQYSNYS[Val654Met]NGEPVNGRHT